The following is an entry in ClinVar:

NM_025114.4(CEP290):c.1094A>C (p.Lys365Thr)

Gene: CEP290 (centrosomal protein 290; minus strand). Cytogenetic location: 12q21.32.
Variant type: single nucleotide variant.
Coding change: c.1094A>C on transcript NM_025114.4 (MANE Select); coding-DNA position 1094, A replaced by C.
Protein change: p.Lys365Thr; replaces lysine 365 with threonine.
Molecular consequence: missense variant.
Genome position (GRCh38, 1-based): chr12:88,125,341, T>G on the plus strand (A>C on the coding strand, the complement: CEP290 is on the minus strand). VCF-style: chr12-88125341-T-G. GRCh37 (hg19) VCF-style: chr12-88519118-T-G.
Other names: c.1094A>C (NM_025114.3); short protein forms K365T.
Identifiers: ClinVar variation 1439621 (VCV001439621.9), dbSNP rs1250515491, ClinGen allele CA385981461.
Genomic context (GRCh38, chr12:88,125,341, plus strand): 5'-ATAATACAAGTATTCTTTTCCATTTCTTTTGTATATTGTTCTACTTGTTCGGTGAGCATC[T>G]TAATTTGACTGTCTCGTTCCTGTATACCCTATAAAATATTTTAAAACAATATATATCCCT-3'
Protein context (NP_079390.3, residues 355-375): QGIQERDSQI[Lys365Thr]MLTEQVEQYT

ClinVar aggregate classification (germline): Uncertain significance. Review status: criteria provided, multiple submitters, no conflicts (2 of 4 stars). 2 submissions from 2 submitters: Uncertain significance (2). Last evaluated 2026-05-23.

Conditions:
CEP290-related disorder. Also called: CEP290-related condition; CEP290-related disorders. Identifiers: MedGen CN239314.
Nephronophthisis. Also called: Juvenile Nephronophthisis. Identifiers: Orphanet 655, MedGen C0687120, MONDO:0019005, HP:0000090.
Meckel-Gruber syndrome. Also called: DYSENCEPHALIA SPLANCHNOCYSTICA; GRUBER SYNDROME; Dysencephalia splachnocystica. Identifiers: Orphanet 564, MedGen C0265215, MONDO:0018921.
Joubert syndrome. Also called: JOUBERT-BOLTSHAUSER SYNDROME; Familial aplasia of the vermis. Identifiers: Orphanet 475, MedGen C5979921, MONDO:0018772.

Allele frequency attached by ClinVar (database versions not stated): TOPMed below 0.00001; gnomAD exomes 0.00002.
gnomAD v4.1: 2 of 1,321,700 alleles (0.00015%); highest among the groups gnomAD compares: Admixed American, 0.0059%; no homozygotes.

Submissions (2):

PreventionGenetics, part of Exact Sciences
Classification: Uncertain significance for CEP290-related condition. Last evaluated: 2026-05-23. Review status: criteria provided, single submitter. Criteria: ACMG Guidelines, 2015. Collection method: clinical testing. Allele origin: germline.
Comment: The CEP290 c.1094A>C variant is predicted to result in the amino acid substitution p.Lys365Thr. To our knowledge, this variant has not been reported in the literature. This variant is reported in 0.024% of alleles in individuals of Latino descent in gnomAD. At this time, the clinical significance of this variant is uncertain due to the absence of conclusive functional and genetic evidence.

Labcorp Genetics (formerly Invitae), Labcorp
Classification: Uncertain significance for Joubert syndrome; Meckel-Gruber syndrome; Nephronophthisis. Last evaluated: 2025-06-16. Review status: criteria provided, single submitter. Criteria: Invitae Variant Classification Sherloc (09022015). Collection method: clinical testing. Allele origin: germline.
Comment: This sequence change replaces lysine, which is basic and polar, with threonine, which is neutral and polar, at codon 365 of the CEP290 protein (p.Lys365Thr). The frequency data for this variant in the population databases is considered unreliable, as metrics indicate poor data quality at this position in the gnomAD database. This variant has not been reported in the literature in individuals affected with CEP290-related conditions. ClinVar contains an entry for this variant (Variation ID: 1439621). Invitae Evidence Modeling of protein sequence and biophysical properties (such as structural, functional, and spatial information, amino acid conservation, physicochemical variation, residue mobility, and thermodynamic stability) indicates that this missense variant is not expected to disrupt CEP290 protein function with a negative predictive value of 80%. In summary, the available evidence is currently insufficient to determine the role of this variant in disease. Therefore, it has been classified as a Variant of Uncertain Significance.